The following is an entry in ClinVar:

ClinVar aggregate classification (germline): Pathogenic. Review status: criteria provided, multiple submitters, no conflicts (2 of 4 stars). 2 submissions from 2 submitters: Pathogenic (2). Last evaluated 2024-05-20.

Conditions:
Retinoblastoma (RB1). Also called: RETINOBLASTOMA, SOMATIC. Identifiers: Orphanet 790, MedGen C0035335, MeSH D012175, MONDO:0008380, OMIM 180200, HP:0009919. Disease mechanism: loss of function. Inheritance: Both sporadic and heritable forms are tested..
Hereditary cancer-predisposing syndrome. Also called: Hereditary Cancer Syndrome; Neoplastic Syndromes, Hereditary; Hereditary neoplastic syndrome; Tumor predisposition. Identifiers: Orphanet 140162, MedGen C0027672, MeSH D009386, MONDO:0015356.

Submissions (2):

Genetic Diagnostic Laboratory, University of Pennsylvania School of Medicine
Classification: Pathogenic for Retinoblastoma. Last evaluated: 2024-05-20. Review status: criteria provided, single submitter. Criteria: ACMG Guidelines, 2015. Collection method: clinical testing. Allele origin: germline. Affected: yes. Observed: 1 variant allele.
Comment: Case and Pedigree Information: BILATERAL CASES:1, UNILATERAL CASES:0, TOTAL CASES:1, PEDIGREES:1. ACMG Codes Applied:PVS1, PM2

Ambry Genetics
Classification: Pathogenic for Hereditary cancer-predisposing syndrome. Last evaluated: 2013-11-11. Review status: criteria provided, single submitter. Criteria: Ambry Autosomal Dominant and X-Linked criteria (10/2015). Collection method: clinical testing. Allele origin: germline. Observed: 1 variant allele.
Comment: Ã¢â‚¬â€¹The c.2465delC pathogenic mutation, located in coding exon 23 of the RB1 gene, results from a deletion of one nucleotide at position 2465, causing a translational frameshift with a predicted alternate stop codon. Since frameshifts are typically deleterious in nature, this alteration is interpreted as a disease-causing mutation (ACMG Recommendations for Standards for Interpretation and Reporting of Sequence Variations. Revision 2007. Genet Med. 2008;10:294).

NM_000321.3(RB1):c.2465del (p.Pro822fs)

Gene: RB1 (RB transcriptional corepressor 1; plus strand). Cytogenetic location: 13q14.2.
Variant type: Deletion.
Coding change: c.2465del on transcript NM_000321.3 (MANE Select); coding-DNA position 2465, one base deleted (C; older notation c.2465delC).
Protein change: p.Pro822fs; shifts the reading frame from proline 822.
Molecular consequence: frameshift variant.
Genome position (GRCh38, 1-based): chr13:48,465,344, C deleted; the last of 2 consecutive C bases (chr13:48,465,343-48,465,344); deleting either gives the same sequence. VCF-style (leftmost placement, unchanged base first): chr13-48465342-AC-A. GRCh37 (hg19) VCF-style: chr13-49039478-AC-A.
Other names: c.2465delC (NM_000321.2); short protein forms P822fs.
Identifiers: ClinVar variation 428684 (VCV000428684.4), dbSNP rs1131690866, ClinGen allele CA483740393.
Genomic context (GRCh38, chr13:48,465,342, plus strand): 5'-AGGGAACATCTATATTTCACCCCTGAAGAGTCCATATAAAATTTCAGAAGGTCTGCCAAC[AC>A]CAACAAAAATGACTCCAAGATCAAGGTGTGTGTTTTCTCTTTAGGGAAGTAGTAAAGAAT-3'